The following is an entry in ClinVar:

ClinVar aggregate classification (germline): Uncertain significance (1 of 4 stars; one submission).

Conditions:
Cardiovascular phenotype. Identifiers: MedGen CN230736.

Submission:

Ambry Genetics
Classification: Uncertain significance for Cardiovascular phenotype. Last evaluated: 2026-02-19. Review status: criteria provided, single submitter. Criteria: Ambry Variant Classification Scheme 2023. Collection method: clinical testing. Allele origin: germline.
Comment: The p.R354L variant (also known as c.1061G>T), located in coding exon 9 of the RAF1 gene, results from a G to T substitution at nucleotide position 1061. The arginine at codon 354 is replaced by leucine, an amino acid with dissimilar properties. This amino acid position is conserved. In addition, this alteration is predicted to be deleterious by in silico analysis. Based on the available evidence, the clinical significance of this variant remains unclear.

NM_002880.4(RAF1):c.1061G>T (p.Arg354Leu)

Gene: RAF1 (Raf-1 proto-oncogene, serine/threonine kinase; minus strand). Cytogenetic location: 3p25.2.
Variant type: single nucleotide variant.
Coding change: c.1061G>T on transcript NM_002880.4 (MANE Select); coding-DNA position 1061, G replaced by T.
Protein change: p.Arg354Leu; replaces arginine 354 with leucine.
Molecular consequence: missense variant. On other transcripts: non-coding transcript variant (3).
Genome position (GRCh38, 1-based): chr3:12,599,738, C>A on the plus strand (G>T on the coding strand, the complement: RAF1 is on the minus strand). VCF-style: chr3-12599738-C-A. GRCh37 (hg19) VCF-style: chr3-12641237-C-A.
Other names: c.1121G>T, p.Arg374Leu (NM_001354689.3); c.1061G>T, p.Arg354Leu (NM_001354690.3); c.818G>T, p.Arg273Leu (NM_001354691.3, NM_001354692.3); c.962G>T, p.Arg321Leu (NM_001354693.3); c.878G>T, p.Arg293Leu (NM_001354694.3); c.719G>T, p.Arg240Leu (NM_001354695.3); short protein forms R273L, R240L, R354L, R321L, R293L, R374L.
Identifiers: ClinVar variation 4824008 (VCV004824008.1).
Genomic context (GRCh38, chr3:12,599,738, plus strand): 5'-GCCCCAAGCTTACCGTGCCATTTACCCTTATAAACAGTTCCAAAAGAGCCTGACCCAATC[C>A]GAGTGGACAGCATCACTTCACTGGCTTCTATTTCCCAATAATAGCTTGAATCTCTCTGTC-3'
Protein context (NP_002871.1, residues 344-364): IEASEVMLST[Arg354Leu]IGSGSFGTVY